The following is an entry in ClinVar:

NM_006231.4(POLE):c.3661C>A (p.Pro1221Thr)

Gene: POLE (DNA polymerase epsilon, catalytic subunit; minus strand). Cytogenetic location: 12q24.33.
Variant type: single nucleotide variant.
Coding change: c.3661C>A on transcript NM_006231.4 (MANE Select); coding-DNA position 3661, C replaced by A.
Protein change: p.Pro1221Thr; replaces proline 1221 with threonine.
Molecular consequence: missense variant.
Genome position (GRCh38, 1-based): chr12:132,649,811, G>T on the plus strand (C>A on the coding strand, the complement: POLE is on the minus strand). VCF-style: chr12-132649811-G-T. GRCh37 (hg19) VCF-style: chr12-133226397-G-T.
Other names: c.3661C>A (NM_006231.2); short protein forms P1221T.
Identifiers: ClinVar variation 2045736 (VCV002045736.5), dbSNP rs2541955074, ClinGen allele CA387386724.

ClinVar aggregate classification (germline): Uncertain significance. Review status: criteria provided, multiple submitters, no conflicts (2 of 4 stars). 2 submissions from 2 submitters: Uncertain significance (2). Last evaluated 2024-08-17.

Conditions:
Hereditary cancer-predisposing syndrome. Also called: Neoplastic Syndromes, Hereditary; Hereditary Cancer Syndrome; Hereditary neoplastic syndrome; Tumor predisposition. Identifiers: Orphanet 140162, MedGen C0027672, MeSH D009386, MONDO:0015356.

Submissions (2):

Ambry Genetics
Classification: Uncertain significance for Hereditary cancer-predisposing syndrome. Last evaluated: 2024-08-17. Review status: criteria provided, single submitter. Criteria: Ambry Variant Classification Scheme 2023. Collection method: clinical testing. Allele origin: germline.
Comment: The p.P1221T variant (also known as c.3661C>A), located in coding exon 30 of the POLE gene, results from a C to A substitution at nucleotide position 3661. The proline at codon 1221 is replaced by threonine, an amino acid with highly similar properties. This amino acid position is conserved. In addition, this alteration is predicted to be tolerated by in silico analysis. Based on the available evidence, the clinical significance of this variant remains unclear.

Labcorp Genetics (formerly Invitae), Labcorp
Classification: Uncertain significance. Last evaluated: 2021-12-17. Review status: criteria provided, single submitter. Criteria: Invitae Variant Classification Sherloc (09022015). Collection method: clinical testing. Allele origin: germline.
Comment: In summary, the available evidence is currently insufficient to determine the role of this variant in disease. Therefore, it has been classified as a Variant of Uncertain Significance. Algorithms developed to predict the effect of missense changes on protein structure and function (SIFT, PolyPhen-2, Align-GVGD) all suggest that this variant is likely to be tolerated. This variant has not been reported in the literature in individuals affected with POLE-related conditions. This variant is not present in population databases (gnomAD no frequency). This sequence change replaces proline, which is neutral and non-polar, with threonine, which is neutral and polar, at codon 1221 of the POLE protein (p.Pro1221Thr).